The following is an entry in ClinVar:

ClinVar aggregate classification (germline): Uncertain significance (1 of 4 stars; one submission).

Submission:

Labcorp Genetics (formerly Invitae), Labcorp
Classification: Uncertain significance. Last evaluated: 2023-10-13. Review status: criteria provided, single submitter. Criteria: Invitae Variant Classification Sherloc (09022015). Collection method: clinical testing. Allele origin: germline.
Comment: This sequence change replaces glutamine, which is neutral and polar, with arginine, which is basic and polar, at codon 1077 of the BRD4 protein (p.Gln1077Arg). This variant is not present in population databases (gnomAD no frequency). This variant has not been reported in the literature in individuals affected with BRD4-related conditions. An algorithm developed to predict the effect of missense changes on protein structure and function (PolyPhen-2) suggests that this variant is likely to be tolerated. In summary, the available evidence is currently insufficient to determine the role of this variant in disease. Therefore, it has been classified as a Variant of Uncertain Significance.

NM_001379291.1(BRD4):c.3230A>G (p.Gln1077Arg)

Gene: BRD4 (bromodomain containing 4; minus strand). Cytogenetic location: 19p13.12.
Variant type: single nucleotide variant.
Coding change: c.3230A>G on transcript NM_001379291.1 (MANE Select); coding-DNA position 3230, A replaced by G.
Protein change: p.Gln1077Arg; replaces glutamine 1077 with arginine.
Molecular consequence: missense variant.
Genome position (GRCh38, 1-based): chr19:15,239,962, T>C on the plus strand (A>G on the coding strand, the complement: BRD4 is on the minus strand). VCF-style: chr19-15239962-T-C. GRCh37 (hg19) VCF-style: chr19-15350773-T-C.
Other names: c.3230A>G, p.Gln1077Arg (NM_058243.3); short protein forms Q1077R.
Identifiers: ClinVar variation 2747853 (VCV002747853.3), dbSNP rs2145502969, ClinGen allele CA404500651.
Genomic context (GRCh38, chr19:15,239,962, plus strand): 5'-CCAGTTACCTGTTTCTTAGGCTGGACGTTTTGCTGGGGTGGAGACTGGTGGGTCAGGCTC[T>C]GGAACTGTGACATCTGGGGGGAATGTATCATAAGCGGGGAGGGGGCTTCGCGGAGGTGAC-3'
Protein context (NP_001366220.1, residues 1067-1087): MIHSPQMSQF[Gln1077Arg]SLTHQSPPQQ